The following is an entry in ClinVar:

NM_005901.6(SMAD2):c.635C>G (p.Pro212Arg)

Gene: SMAD2 (SMAD family member 2; minus strand). Cytogenetic location: 18q21.1.
Variant type: single nucleotide variant.
Coding change: c.635C>G on transcript NM_005901.6 (MANE Select); coding-DNA position 635, C replaced by G.
Protein change: p.Pro212Arg; replaces proline 212 with arginine.
Molecular consequence: missense variant.
Genome position (GRCh38, 1-based): chr18:47,868,343, G>C on the plus strand (C>G on the coding strand, the complement: SMAD2 is on the minus strand). VCF-style: chr18-47868343-G-C. GRCh37 (hg19) VCF-style: chr18-45394714-G-C.
Other names: c.635C>G, p.Pro212Arg (NM_001003652.4); c.545C>G, p.Pro182Arg (NM_001135937.3); short protein forms P182R, P212R.
Identifiers: ClinVar variation 4810281 (VCV004810281.1).
Genomic context (GRCh38, chr18:47,868,343, plus strand): 5'-TATCTATCCAAGTTTTAGGAGATTCAGAAGGCAAAAATACCTGGAATATAATTACTCTGT[G>C]GCTCAATTCCTGCTGGGAAGTTAGTGTTTTCTGGAATGGAGTGAGTATAGTCATCCAGAG-3'
Protein context (NP_005892.1, residues 202-222): ENTNFPAGIE[Pro212Arg]QSNYIPETPP

ClinVar aggregate classification (germline): Uncertain significance (1 of 4 stars; one submission).

Submission:

Labcorp Genetics (formerly Invitae), Labcorp
Classification: Uncertain significance. Last evaluated: 2025-07-22. Review status: criteria provided, single submitter. Criteria: Invitae Variant Classification Sherloc (09022015). Collection method: clinical testing. Allele origin: germline.
Comment: This sequence change replaces proline, which is neutral and non-polar, with arginine, which is basic and polar, at codon 212 of the SMAD2 protein (p.Pro212Arg). This variant is not present in population databases (gnomAD no frequency). This variant has not been reported in the literature in individuals affected with SMAD2-related conditions. Invitae Evidence Modeling of protein sequence and biophysical properties (such as structural, functional, and spatial information, amino acid conservation, physicochemical variation, residue mobility, and thermodynamic stability) indicates that this missense variant is not expected to disrupt SMAD2 protein function with a negative predictive value of 80%. In summary, the available evidence is currently insufficient to determine the role of this variant in disease. Therefore, it has been classified as a Variant of Uncertain Significance.